The following is an entry in ClinVar:

ClinVar aggregate classification (germline): Uncertain significance (1 of 4 stars; one submission).

Submission:

CeGaT Center for Human Genetics Tuebingen
Classification: Uncertain significance. Last evaluated: 2024-08-01. Review status: criteria provided, single submitter. Criteria: CeGaT Center For Human Genetics Tuebingen Variant Classification Criteria Version 2. Collection method: clinical testing. Allele origin: germline. Affected: yes. Observed: 1 variant allele.
Comment: COL12A1: PM2, BP4

NM_004370.6(COL12A1):c.5798T>A (p.Met1933Lys)

Gene: COL12A1 (collagen type XII alpha 1 chain; minus strand). Cytogenetic location: 6q13.
Variant type: single nucleotide variant.
Coding change: c.5798T>A on transcript NM_004370.6 (MANE Select); coding-DNA position 5798, T replaced by A.
Protein change: p.Met1933Lys; replaces methionine 1933 with lysine.
Molecular consequence: missense variant.
Genome position (GRCh38, 1-based): chr6:75,132,079, A>T on the plus strand (T>A on the coding strand, the complement: COL12A1 is on the minus strand). VCF-style: chr6-75132079-A-T. GRCh37 (hg19) VCF-style: chr6-75841795-A-T.
Other names: c.5798T>A, p.Met1933Lys (NM_001424113.1); c.5777T>A, p.Met1926Lys (NM_001424114.1); c.5525T>A, p.Met1842Lys (NM_001424115.1); c.2306T>A, p.Met769Lys (NM_001424116.1, NM_080645.3); short protein forms M1842K, M1926K, M1933K, M769K.
Identifiers: ClinVar variation 3341957 (VCV003341957.16).